The following is an entry in ClinVar:

ClinVar aggregate classification (germline): Uncertain significance (1 of 4 stars; one submission).

Conditions:
FOXP1-related disorder. Also called: FOXP1-related condition.

Submission:

PreventionGenetics, part of Exact Sciences
Classification: Uncertain significance for FOXP1-related condition. Last evaluated: 2026-03-18. Review status: criteria provided, single submitter. Criteria: ACMG Guidelines, 2015. Collection method: clinical testing. Allele origin: germline.
Comment: The FOXP1 c.292G>A variant is predicted to result in the amino acid substitution p.Ala98Thr. To our knowledge, this variant has not been reported in the literature or in a large population database (gnomAD), indicating this variant is rare. At this time, the clinical significance of this variant is uncertain due to the absence of conclusive functional and genetic evidence.

NM_001349338.3(FOXP1):c.180+245G>A

Gene: FOXP1 (forkhead box P1; minus strand). Cytogenetic location: 3p13.
Variant type: single nucleotide variant.
Coding change: c.180+245G>A on transcript NM_001349338.3 (MANE Select); 245 bases into the intron after coding-DNA position 180, G replaced by A.
Molecular consequence: intron variant. On other transcripts: missense variant (1).
Genome position (GRCh38, 1-based): chr3:71,197,957, C>T on the plus strand (G>A on the coding strand, the complement: FOXP1 is on the minus strand). VCF-style: chr3-71197957-C-T. GRCh37 (hg19) VCF-style: chr3-71247108-C-T.
Other names: c.292G>A, p.Ala98Thr (NM_001012505.2); c.180+245G>A (NM_001244810.2, NM_032682.6, NM_001349340.3 and 5 more transcripts); short protein forms A98T.
Identifiers: ClinVar variation 4997885 (VCV004997885.1).
Genomic context (GRCh38, chr3:71,197,957, plus strand): 5'-ATTTTATTCAAAATGGGGAAGGGTTAGGCTGACACACAGGTCCACTCATCTTCGTCTCAG[C>T]AACTGCTCCCCACAAGGGGACCTGCAGGACTTCCAACTCCCAAGGGCTTGAAATTAGTCT-3'